The following is an entry in ClinVar:

NM_000455.5(STK11):c.1093G>A (p.Asp365Asn)

Genes: STK11 (serine/threonine kinase 11; plus strand), LOC130062899 (ATAC-STARR-seq lymphoblastoid active region 13597; plus strand). Cytogenetic location: 19p13.3.
Variant type: single nucleotide variant.
Coding change: c.1093G>A on transcript NM_000455.5 (MANE Select); coding-DNA position 1093, G replaced by A.
Protein change: p.Asp365Asn; replaces aspartic acid 365 with asparagine.
Molecular consequence: missense variant.
Genome position (GRCh38, 1-based): chr19:1,223,157, G>A. VCF-style: chr19-1223157-G-A. GRCh37 (hg19) VCF-style: chr19-1223156-G-A.
Other names: short protein forms D365N.
Identifiers: ClinVar variation 664864 (VCV000664864.16), dbSNP rs1599929572, ClinGen allele CA402951946.
Genomic context (GRCh38, chr19:1,223,157, plus strand): 5'-CACGGCGCGGACGAGGACGAGGACCTCTTCGACATCGAGGATGACATCATCTACACTCAG[G>A]ACTTCACGGTGCCCGGTGAGTCTGGCGGGGGCCCCTGCCCGGCTCTGCTGACTCGGCCAG-3'
Protein context (NP_000446.1, residues 355-375): DIEDDIIYTQ[Asp365Asn]FTVPGQVPEE

ClinVar aggregate classification (germline): Conflicting classifications of pathogenicity. Review status: criteria provided, conflicting classifications (1 of 4 stars). 5 submissions from 5 submitters: Uncertain significance (4); Likely benign (1). Last evaluated 2026-09-11.

Conditions:
Peutz-Jeghers syndrome (PJS). Also called: POLYPOSIS, HAMARTOMATOUS INTESTINAL; POLYPS-AND-SPOTS SYNDROME; Peutz-Jeghers polyposis; Periorificial lentiginosis syndrome. Identifiers: Orphanet 2869, MedGen C0031269, MeSH D010580, MONDO:0008280, OMIM 175200.
Hereditary cancer-predisposing syndrome. Also called: Neoplastic Syndromes, Hereditary; Hereditary Cancer Syndrome; Hereditary neoplastic syndrome; Tumor predisposition. Identifiers: Orphanet 140162, MedGen C0027672, MeSH D009386, MONDO:0015356.

Submissions (5):

Ambry Genetics
Classification: Likely benign for Hereditary cancer-predisposing syndrome. Last evaluated: 2026-09-11. Review status: criteria provided, single submitter. Criteria: Ambry Variant Classification Scheme 2023. Collection method: clinical testing. Allele origin: germline.

Color Diagnostics, LLC DBA Color Health
Classification: Uncertain significance for Hereditary cancer-predisposing syndrome. Last evaluated: 2024-03-06. Review status: criteria provided, single submitter. Criteria: ACMG Guidelines, 2015. Collection method: clinical testing. Allele origin: germline.
Comment: This missense variant replaces aspartic acid with asparagine at codon 365 of the STK11 protein. Computational prediction suggests that this variant may not impact protein structure and function (internally defined REVEL score threshold <= 0.5, PMID: 27666373). To our knowledge, functional studies have not been reported for this variant. This variant has not been reported in individuals affected with hereditary cancer in the literature. This variant has not been identified in the general population by the Genome Aggregation Database (gnomAD). The available evidence is insufficient to determine the role of this variant in disease conclusively. Therefore, this variant is classified as a Variant of Uncertain Significance.

All of Us Research Program, National Institutes of Health
Classification: Uncertain significance for Peutz-Jeghers syndrome. Last evaluated: 2023-09-05. Review status: criteria provided, single submitter. Criteria: ACMG Guidelines, 2015. Collection method: clinical testing. Allele origin: germline. Inheritance: Autosomal dominant inheritance. Observed: 1 variant allele, 1 heterozygote.
Comment: This missense variant replaces aspartic acid with asparagine at codon 365 of the STK11 protein. Computational prediction suggests that this variant may not impact protein structure and function (internally defined REVEL score threshold <= 0.5, PMID: 27666373). To our knowledge, functional studies have not been reported for this variant. This variant has not been reported in individuals affected with hereditary cancer in the literature. This variant has not been identified in the general population by the Genome Aggregation Database (gnomAD). The available evidence is insufficient to determine the role of this variant in disease conclusively. Therefore, this variant is classified as a Variant of Uncertain Significance.

This study involves interpretation of variants in research participants for the purpose of population health screening. Participant phenotype was not available at the time of variant classification. Additional details can be found in publication PMID: 35346344, PMCID: PMC8962531

Labcorp Genetics (formerly Invitae), Labcorp
Classification: Uncertain significance for Peutz-Jeghers syndrome. Last evaluated: 2023-03-07. Review status: criteria provided, single submitter. Criteria: Invitae Variant Classification Sherloc (09022015). Collection method: clinical testing. Allele origin: germline.
Comment: This variant has not been reported in the literature in individuals affected with STK11-related conditions. This variant is not present in population databases (gnomAD no frequency). This sequence change replaces aspartic acid, which is acidic and polar, with asparagine, which is neutral and polar, at codon 365 of the STK11 protein (p.Asp365Asn). ClinVar contains an entry for this variant (Variation ID: 664864). Advanced modeling of protein sequence and biophysical properties (such as structural, functional, and spatial information, amino acid conservation, physicochemical variation, residue mobility, and thermodynamic stability) performed at Invitae indicates that this missense variant is not expected to disrupt STK11 protein function. In summary, the available evidence is currently insufficient to determine the role of this variant in disease. Therefore, it has been classified as a Variant of Uncertain Significance.

Genome-Nilou Lab
Classification: Uncertain significance for Peutz-Jeghers syndrome. Last evaluated: 2021-07-15. Review status: criteria provided, single submitter. Criteria: ACMG Guidelines, 2015. Collection method: clinical testing. Allele origin: germline. Affected: no.